The following is an entry in ClinVar:

NM_177438.3(DICER1):c.1517G>A (p.Arg506Lys)

Gene: DICER1 (dicer 1, ribonuclease III; minus strand). Cytogenetic location: 14q32.13.
Variant type: single nucleotide variant.
Coding change: c.1517G>A on transcript NM_177438.3 (MANE Select); coding-DNA position 1517, G replaced by A.
Protein change: p.Arg506Lys; replaces arginine 506 with lysine.
Molecular consequence: missense variant.
Genome position (GRCh38, 1-based): chr14:95,116,688, C>T on the plus strand (G>A on the coding strand, the complement: DICER1 is on the minus strand). VCF-style: chr14-95116688-C-T. GRCh37 (hg19) VCF-style: chr14-95583025-C-T.
Other names: c.1517G>A, p.Arg506Lys (NM_001195573.1, NM_001271282.3, NM_001291628.2 and 1 more transcripts); short protein forms R506K.
Identifiers: ClinVar variation 856108 (VCV000856108.10), dbSNP rs1892505565, ClinGen allele CA390885239.
Genomic context (GRCh38, chr14:95,116,688, plus strand): 5'-ACACCCTCTTCTACAATACTTGTTGCAATAAGCAGGTTGGTCTCATGTGCTCGAAATTTC[C>T]TAAGTACCTGAAAAAAAAAATCCACCAAGAAAAGCACTTCTAAGAAAATTTCTAAAATGA-3'
Protein context (NP_803187.1, residues 496-516): AEFRKQEEVL[Arg506Lys]KFRAHETNLL

ClinVar aggregate classification (germline): Uncertain significance. Review status: criteria provided, multiple submitters, no conflicts (2 of 4 stars). 2 submissions from 2 submitters: Uncertain significance (2). Last evaluated 2025-10-01.

Conditions:
DICER1-related tumor predisposition. Also called: DICER1 syndrome; DICER1-related pleuropulmonary blastoma cancer predisposition syndrome. Identifiers: Orphanet 284343, MedGen C3839822, MONDO:0100216.
Hereditary cancer-predisposing syndrome. Also called: Hereditary neoplastic syndrome; Tumor predisposition; Neoplastic Syndromes, Hereditary; Hereditary Cancer Syndrome. Identifiers: Orphanet 140162, MedGen C0027672, MeSH D009386, MONDO:0015356.

Allele frequency attached by ClinVar (database versions not stated): TOPMed 0.00001.

Submissions (2):

Labcorp Genetics (formerly Invitae), Labcorp
Classification: Uncertain significance for DICER1-related tumor predisposition. Last evaluated: 2025-10-01. Review status: criteria provided, single submitter. Criteria: Invitae Variant Classification Sherloc (09022015). Collection method: clinical testing. Allele origin: germline.
Comment: This sequence change replaces arginine, which is basic and polar, with lysine, which is basic and polar, at codon 506 of the DICER1 protein (p.Arg506Lys). This variant is not present in population databases (gnomAD no frequency). This variant has not been reported in the literature in individuals affected with DICER1-related conditions. ClinVar contains an entry for this variant (Variation ID: 856108). Invitae Evidence Modeling of protein sequence and biophysical properties (such as structural, functional, and spatial information, amino acid conservation, physicochemical variation, residue mobility, and thermodynamic stability) indicates that this missense variant is not expected to disrupt DICER1 protein function with a negative predictive value of 95%. In summary, the available evidence is currently insufficient to determine the role of this variant in disease. Therefore, it has been classified as a Variant of Uncertain Significance.

Ambry Genetics
Classification: Uncertain significance for Hereditary cancer-predisposing syndrome. Last evaluated: 2025-01-17. Review status: criteria provided, single submitter. Criteria: Ambry Variant Classification Scheme 2023. Collection method: clinical testing. Allele origin: germline.
Comment: The p.R506K variant (also known as c.1517G>A), located in coding exon 9 of the DICER1 gene, results from a G to A substitution at nucleotide position 1517. The arginine at codon 506 is replaced by lysine, an amino acid with highly similar properties. This amino acid position is conserved. In addition, the in silico prediction for this alteration is inconclusive. Based on the available evidence, the clinical significance of this variant remains unclear.